The following is an entry in ClinVar:

ClinVar aggregate classification (germline): Uncertain significance (1 of 4 stars; one submission).

Conditions:
Biotin-responsive basal ganglia disease (BTBGD). Also called: Thiamine Transporter-2 Deficiency; Thiamine metabolism dysfunction syndrome 2 (biotin- or thiamine-responsive encephalopathy type 2); thiamine-responsive encephalopathy; THIAMINE METABOLISM DYSFUNCTION SYNDROME 2 (BIOTIN- AND THIAMINE-RESPONSIVE TYPE); Thiamine metabolism dysfunction syndrome type 2. Identifiers: Orphanet 199348, Orphanet 65284, MedGen C1843807, MONDO:0011841, OMIM 607483.

Allele frequency attached by ClinVar (database versions not stated): gnomAD 0.00001; gnomAD exomes 0.00001; TOPMed 0.00001.
gnomAD v4.1: 5 of 1,614,100 alleles (0.00031%); highest among the groups gnomAD compares: Non-Finnish European, 0.00042%; no homozygotes.

Submission:

Labcorp Genetics (formerly Invitae), Labcorp
Classification: Uncertain significance for Biotin-responsive basal ganglia disease. Last evaluated: 2022-03-09. Review status: criteria provided, single submitter. Criteria: Invitae Variant Classification Sherloc (09022015). Collection method: clinical testing. Allele origin: germline.
Comment: In summary, the available evidence is currently insufficient to determine the role of this variant in disease. Therefore, it has been classified as a Variant of Uncertain Significance. Advanced modeling of protein sequence and biophysical properties (such as structural, functional, and spatial information, amino acid conservation, physicochemical variation, residue mobility, and thermodynamic stability) performed at Invitae indicates that this missense variant is not expected to disrupt SLC19A3 protein function. This variant has not been reported in the literature in individuals affected with SLC19A3-related conditions. This variant is present in population databases (no rsID available, gnomAD 0.002%). This sequence change replaces serine, which is neutral and polar, with asparagine, which is neutral and polar, at codon 251 of the SLC19A3 protein (p.Ser251Asn).

NM_025243.4(SLC19A3):c.752G>A (p.Ser251Asn)

Gene: SLC19A3 (solute carrier family 19 member 3; minus strand). Cytogenetic location: 2q36.3.
Variant type: single nucleotide variant.
Coding change: c.752G>A on transcript NM_025243.4 (MANE Select); coding-DNA position 752, G replaced by A.
Protein change: p.Ser251Asn; replaces serine 251 with asparagine.
Molecular consequence: missense variant.
Genome position (GRCh38, 1-based): chr2:227,698,963, C>T on the plus strand (G>A on the coding strand, the complement: SLC19A3 is on the minus strand). VCF-style: chr2-227698963-C-T. GRCh37 (hg19) VCF-style: chr2-228563679-C-T.
Other names: c.752G>A, p.Ser251Asn (NM_001371411.1, NM_001371412.1); c.740G>A, p.Ser247Asn (NM_001371413.1, NM_001371414.1); short protein forms S247N, S251N.
Identifiers: ClinVar variation 1899340 (VCV001899340.5), dbSNP rs1368458303, ClinGen allele CA350876555.
Genomic context (GRCh38, chr2:227,698,963, plus strand): 5'-TCCTTCAAATCTTGGAACCACTGCACAAAAACGTCCACAGTCACATTGCTTGGTTTCAGG[C>T]TGTTCAGCTGGCCCTTATTCAGCTTCCCTGAAGTGCTGAGTATTTCTGATGTGGGTTTCT-3'
Protein context (NP_079519.1, residues 241-261): SGKLNKGQLN[Ser251Asn]LKPSNVTVDV